The following is an entry in ClinVar:

NM_004369.4(COL6A3):c.118ATA[1] (p.Ile41del)

Gene: COL6A3 (collagen type VI alpha 3 chain; minus strand). Cytogenetic location: 2q37.3.
Variant type: Microsatellite.
Coding change: c.118ATA[1] on transcript NM_004369.4 (MANE Select); one copy of the 3-base unit ATA starting at c.118; the reference has two copies in a row; one copy, 3 bases deleted.
Protein change: p.Ile41del; deletes isoleucine 41.
Molecular consequence: inframe deletion. On other transcripts: intron variant (4).
Genome position (GRCh38, 1-based): chr2:237,395,173-237,395,175, TAT deleted on the plus strand (ATA on the coding strand, the reverse complement: COL6A3 is on the minus strand); deleting any 3 consecutive bases within chr2:237,395,173-237,395,178 gives the same sequence; the position shown is the placement nearest the transcript's 3' end. VCF-style (leftmost placement, unchanged base first): chr2-237395172-ATAT-A. GRCh37 (hg19) VCF-style: chr2-238303815-ATAT-A.
Other names: c.91+1552_91+1554del (NM_057166.5, NM_057167.4, NM_057164.5 and 1 more transcripts); short protein forms I41del.
Identifiers: ClinVar variation 282190 (VCV000282190.9), dbSNP rs886042334, ClinGen allele CA10604096.
Genomic context (GRCh38, chr2:237,395,172, plus strand): 5'-GAAACTCTCGAACAAGTTGGAAATGTTCCTCTCCAATGGTCCAAGAGGAATCCACTAGAA[ATAT>A]TATATCAGCAGCCGCACCATTTTTGACATCTTTAAAAAAAGACATTGGTTTAGATTTTTC-3'

ClinVar aggregate classification (germline): Uncertain significance. Review status: criteria provided, multiple submitters, no conflicts (2 of 4 stars). 2 submissions from 2 submitters: Uncertain significance (2). Last evaluated 2022-03-15.

Conditions:
Bethlem myopathy 1A. Also called: Bethlem myopathy 1; MYOPATHY, BENIGN CONGENITAL, WITH CONTRACTURES; Bethlem Muscular Dystrophy. Identifiers: Orphanet 610, MedGen CN029274, MONDO:0024530, OMIM 158810.

Submissions (2):

Labcorp Genetics (formerly Invitae), Labcorp
Classification: Uncertain significance for Bethlem myopathy 1A. Last evaluated: 2022-03-15. Review status: criteria provided, single submitter. Criteria: Invitae Variant Classification Sherloc (09022015). Collection method: clinical testing. Allele origin: germline.
Comment: This variant has been observed in individual(s) with clinical features of autosomal recessive COL6A3-related conditions (Invitae). In summary, the available evidence is currently insufficient to determine the role of this variant in disease. Therefore, it has been classified as a Variant of Uncertain Significance. Experimental studies and prediction algorithms are not available or were not evaluated, and the functional significance of this variant is currently unknown. This variant is present in population databases (no rsID available, gnomAD 0.007%). This variant, c.121_123del, results in the deletion of 1 amino acid(s) of the COL6A3 protein (p.Ile41del), but otherwise preserves the integrity of the reading frame.

Eurofins Ntd Llc (ga)
Classification: Uncertain significance. Last evaluated: 2015-07-30. Review status: criteria provided, single submitter. Criteria: EGL Classification Definitions 2015. Collection method: clinical testing. Allele origin: germline. Observed: 1 variant allele, 1 heterozygote.